The following is an entry in ClinVar:

NM_178857.6(RP1L1):c.3658G>A (p.Asp1220Asn)

Gene: RP1L1 (RP1 like 1). Cytogenetic location: 8p23.1.
Variant type: single nucleotide variant.
Coding change: c.3658G>A on transcript NM_178857.6 (MANE Select); coding-DNA position 3658, G replaced by A.
Protein change: p.Asp1220Asn; replaces aspartic acid 1220 with asparagine.
Molecular consequence: missense variant.
Genome position (GRCh38, 1-based): chr8:10,610,440, C>T on the plus strand (G>A on the coding strand, the complement: RP1L1 is on the minus strand). VCF-style: chr8-10610440-C-T. GRCh37 (hg19) VCF-style: chr8-10467950-C-T.
Other names: short protein forms D1220N.
Identifiers: ClinVar variation 3790216 (VCV003790216.3).

ClinVar aggregate classification (germline): Uncertain significance. Review status: criteria provided, multiple submitters, no conflicts (2 of 4 stars). 2 submissions from 2 submitters: Uncertain significance (2). Last evaluated 2025-03-03.

Conditions:
Inborn genetic diseases. Identifiers: MedGen C0950123, MeSH D030342.

gnomAD v4.1: 15 of 1,613,750 alleles (0.00093%); highest among the groups gnomAD compares: Admixed American, 0.0067%; no homozygotes.

Submissions (2):

Ambry Genetics
Classification: Uncertain significance for Inborn genetic diseases. Last evaluated: 2025-03-03. Review status: criteria provided, single submitter. Criteria: Ambry Variant Classification Scheme 2023. Collection method: clinical testing. Allele origin: germline.

Dasa
Classification: Uncertain significance. Last evaluated: 2024-12-26. Review status: criteria provided, single submitter. Criteria: DASA Assertion Criteria. Collection method: clinical testing. Allele origin: germline.
Comment: NM_178857.6(RP1L1):c.3658G>A (p.Asp1220Asn) is a missense variant that results in the substitution of aspartic acid with asparagine. This variant is rare in population databases. Computational prediction algorithms are consistent with a benign effect. The currently available literature and clinical evidence are not sufficient to establish a definitive association between this variant and the reported condition. Therefore, this variant is classified as a variant of uncertain significance.